The following is an entry in ClinVar:

NM_001267550.2(TTN):c.56963-19_56963-18delinsTC

Genes: TTN-AS1 (TTN antisense RNA 1; plus strand), TTN (titin; minus strand). Cytogenetic location: 2q31.2.
Variant type: Indel.
Coding change: c.56963-19_56963-18delinsTC on transcript NM_001267550.2 (MANE Select); 19 bases into the intron before coding-DNA position 56963 through 18 bases into the intron before coding-DNA position 56963, GT replaced by TC.
Molecular consequence: intron variant. On other transcripts: non-coding transcript variant (1).
Genome position (GRCh38, 1-based): chr2:178,598,672-178,598,673, AC replaced by GA on the plus strand (GT replaced by TC on the coding strand, the reverse complement: TTN is on the minus strand). VCF-style: chr2-178598672-AC-GA. GRCh37 (hg19) VCF-style: chr2-179463399-AC-GA.
Other names: c.29768-19_29768-18delinsTC (NM_003319.4); c.30344-19_30344-18delinsTC (NM_133437.4); c.30143-19_30143-18delinsTC (NM_133432.3); c.49259-19_49259-18delinsTC (NM_133378.4); c.52040-19_52040-18delinsTC (NM_001256850.1).
Identifiers: ClinVar variation 1236416 (VCV001236416.13), dbSNP rs2154190692, ClinGen allele CA2499215410.

ClinVar aggregate classification (germline): Benign/Likely benign. Review status: criteria provided, multiple submitters, no conflicts (2 of 4 stars). 3 submissions from 3 submitters: Benign (1); Likely benign (2). Last evaluated 2026-01-28.

Conditions:
Dilated cardiomyopathy 1G (CMD1G). Identifiers: Orphanet 154, MedGen C1858763, MONDO:0011400, OMIM 604145.
Autosomal recessive limb-girdle muscular dystrophy type 2J (LGMDR10). Also called: Limb-girdle muscular dystrophy, type 2J; MUSCULAR DYSTROPHY, LIMB-GIRDLE, AUTOSOMAL RECESSIVE 10. Identifiers: Orphanet 140922, MedGen C1837342, MONDO:0012127, OMIM 608807.

Submissions (3):

Labcorp Genetics (formerly Invitae), Labcorp
Classification: Likely benign for Dilated cardiomyopathy 1G; Autosomal recessive limb-girdle muscular dystrophy type 2J. Last evaluated: 2026-01-28. Review status: criteria provided, single submitter. Criteria: Invitae Variant Classification Sherloc (09022015). Collection method: clinical testing. Allele origin: germline.

Women's Health and Genetics/Laboratory Corporation of America, LabCorp
Classification: Likely benign. Last evaluated: 2025-12-08. Review status: criteria provided, single submitter. Criteria: LabCorp Variant Classification Summary - May 2015. Collection method: clinical testing. Allele origin: germline.
Comment: Variant summary: TTN c.49259-19_49259-18delinsTC alters a nucleotide located at a position not widely known to affect splicing. Consensus agreement among computation tools predict no significant impact on normal splicing. However, these predictions have yet to be confirmed by functional studies. The variant was absent in 270094 control chromosomes. The available data on variant occurrences in the general population are insufficient to allow any conclusion about variant significance. To our knowledge, no occurrence of c.49259-19_49259-18delinsTC in individuals affected with TTN-related conditions and no experimental evidence demonstrating its impact on protein function have been reported. ClinVar contains an entry for this variant (Variation ID: 1236416). Based on the evidence outlined above, the variant was classified as likely benign.

GeneDx
Classification: Benign. Last evaluated: 2015-07-22. Review status: criteria provided, single submitter. Criteria: GeneDx Variant Classification Process June 2021. Collection method: clinical testing. Allele origin: germline. Affected: yes.